The following is an entry in ClinVar:

ClinVar aggregate classification (germline): Uncertain significance. Review status: criteria provided, multiple submitters, no conflicts (2 of 4 stars). 2 submissions from 2 submitters: Uncertain significance (2). Last evaluated 2021-10-14.

Conditions:
Polycystic kidney disease, adult type (PKD1). Also called: Polycystic Kidney Disease 1, Autosomal Dominant; Polycystic kidney disease 1; Polycystic kidney disease 1, severe; POLYCYSTIC KIDNEY DISEASE 1 WITH OR WITHOUT POLYCYSTIC LIVER DISEASE; POLYCYSTIC KIDNEY DISEASE, ADULT, TYPE I; Polycystic Kidney, Autosomal Dominant. Identifiers: MedGen C3149841, MONDO:0008263, OMIM 173900.

Allele frequency attached by ClinVar (database versions not stated): TOPMed below 0.00001; gnomAD 0.00001; gnomAD exomes 0.00001 and 0.00002; ExAC 0.00003.
gnomAD v4.1: 18 of 1,588,048 alleles (0.0011%); highest among the groups gnomAD compares: East Asian, 0.0069%; no homozygotes.

Submissions (2):

Fulgent Genetics
Classification: Uncertain significance for Polycystic kidney disease, adult type. Last evaluated: 2021-10-14. Review status: criteria provided, single submitter. Criteria: ACMG Guidelines, 2015. Collection method: clinical testing. Allele origin: unknown.

Baylor Genetics
Classification: Uncertain significance for Polycystic kidney disease, adult type. Last evaluated: 2020-12-03. Review status: criteria provided, single submitter. Criteria: ACMG Guidelines, 2015. Collection method: clinical testing. Allele origin: unknown. Affected: yes.
Comment: This variant was determined to be of uncertain significance according to ACMG Guidelines, 2015 [PMID:25741868].

NM_001009944.3(PKD1):c.9739C>T (p.Arg3247Cys)

Gene: PKD1 (polycystin 1, transient receptor potential channel interacting; minus strand). Cytogenetic location: 16p13.3.
Variant type: single nucleotide variant.
Coding change: c.9739C>T on transcript NM_001009944.3 (MANE Select); coding-DNA position 9739, C replaced by T.
Protein change: p.Arg3247Cys; replaces arginine 3247 with cysteine.
Molecular consequence: missense variant.
Genome position (GRCh38, 1-based): chr16:2,100,045, G>A on the plus strand (C>T on the coding strand, the complement: PKD1 is on the minus strand). VCF-style: chr16-2100045-G-A. GRCh37 (hg19) VCF-style: chr16-2150046-G-A.
Other names: c.9739C>T, p.Arg3247Cys (NM_000296.4); short protein forms R3247C.
Identifiers: ClinVar variation 1028438 (VCV001028438.2), dbSNP rs757771138, ClinGen allele CA7829926.